The following is an entry in ClinVar:

NM_001367624.2(ZNF469):c.6058G>C (p.Ala2020Pro)

Gene: ZNF469 (zinc finger protein 469; plus strand). Cytogenetic location: 16q24.2.
Variant type: single nucleotide variant.
Coding change: c.6058G>C on transcript NM_001367624.2 (MANE Select); coding-DNA position 6058, G replaced by C.
Protein change: p.Ala2020Pro; replaces alanine 2020 with proline.
Molecular consequence: missense variant.
Genome position (GRCh38, 1-based): chr16:88,433,528, G>C. VCF-style: chr16-88433528-G-C. GRCh37 (hg19) VCF-style: chr16-88499936-G-C.
Other names: NM_001127464.1:c.5974G>C; short protein forms A2020P.
Identifiers: ClinVar variation 3821107 (VCV003821107.1).

ClinVar aggregate classification (germline): Uncertain significance (1 of 4 stars; one submission).

Conditions:
Cardiovascular phenotype. Identifiers: MedGen CN230736.

Submission:

Ambry Genetics
Classification: Uncertain significance for Cardiovascular phenotype. Last evaluated: 2024-12-31. Review status: criteria provided, single submitter. Criteria: Ambry Variant Classification Scheme 2023. Collection method: clinical testing. Allele origin: germline.
Comment: The p.A1992P variant (also known as c.5974G>C), located in coding exon 2 of the ZNF469 gene, results from a G to C substitution at nucleotide position 5974. The alanine at codon 1992 is replaced by proline, an amino acid with highly similar properties. This amino acid position is conserved. In addition, this alteration is predicted to be tolerated by in silico analysis. Based on the available evidence, the clinical significance of this variant remains unclear.